The following continues an entry in ClinVar:

NM_172107.4(KCNQ2):c.629G>A (p.Arg210His)

Gene: KCNQ2. ClinVar aggregate classification (germline): Pathogenic. Pathogenic (12).

Submissions 11 to 20 of 20:

Blueprint Genetics
Classification: Pathogenic for KCNQ2-related disorders. Last evaluated: 2019-04-04. Review status: criteria provided, single submitter. Criteria: ACMG Guidelines, 2015. Collection method: clinical testing. Allele origin: germline. Affected: yes. Observed: 1 variant allele.

GeneDx
Classification: Pathogenic. Last evaluated: 2018-04-13. Review status: criteria provided, single submitter. Criteria: GeneDx Variant Classification (06012015). Collection method: clinical testing. Allele origin: germline. Affected: yes.
Comment: The R210H pathogenic variant has been reported multiple times as a de novo change in individuals with epileptic encephalopathy (Weckhuysen et al., 2013; Pisano et al., 2015; Reid et al., 2016). The R210H variant is not observed in large population cohorts (Lek et al., 2016). The R210H variant is a conservative amino acid substitution, which is not likely to impact secondary protein structure as these residues share similar properties. This substitution is predicted to be within the transmembrane segment S4 voltage sensor. In-silico analyses, including protein predictors and evolutionary conservation, support a deleterious effect. In addition, a different missense variant in the same residue (R210C) as well as multiple missense variants in nearby residues have been reported in the Human Gene Mutation Database in association with KCNQ2-related disorders (Stenson et al., 2014), supporting the functional importance of this region of the protein. Therefore, we consider R210H to be a pathogenic variant.

Pediatric Genetics Clinic, Sheba Medical Center
Classification: Pathogenic for Developmental and epileptic encephalopathy, 7. Last evaluated: 2021-05-13. Review status: no assertion criteria provided. Collection method: clinical testing. Allele origin: de novo. Affected: yes. Observed: 1 heterozygote. Not counted in ClinVar's aggregate classification.

Channelopathy-Associated Epilepsy Research Center
No classification provided (evidence only). Condition: Complex neurodevelopmental disorder. Review status: no classification provided. Collection method: literature only. Allele origin: not applicable. Functional consequence: Severe decrease in peak current, Acceleration of activation, Severe depolarizing shift of voltage dependence of activation. Not counted in ClinVar's aggregate classification.
ClinVar note: "not provided" was previously submitted as the classification for the variant. However, the classification appeared to be based only on an observation of functional data so it was converted to no classification on 2025-07-30.

Channelopathy-Associated Epilepsy Research Center
No classification provided (evidence only). Review status: no classification provided. Collection method: in vitro. Allele origin: not applicable. Functional consequence: Normal peak current. Not counted in ClinVar's aggregate classification.

Channelopathy-Associated Epilepsy Research Center
No classification provided (evidence only). Review status: no classification provided. Collection method: in vitro. Allele origin: not applicable. Functional consequence: Normal peak current. Not counted in ClinVar's aggregate classification.

Channelopathy-Associated Epilepsy Research Center
No classification provided (evidence only). Review status: no classification provided. Collection method: in vitro. Allele origin: not applicable. Functional consequence: Depolarizing shift of voltage dependence of activation. Not counted in ClinVar's aggregate classification.

Channelopathy-Associated Epilepsy Research Center
No classification provided (evidence only). Review status: no classification provided. Collection method: in vitro. Allele origin: not applicable. Functional consequence: Increase in slope of activation. Not counted in ClinVar's aggregate classification.

Channelopathy-Associated Epilepsy Research Center
No classification provided (evidence only). Review status: no classification provided. Collection method: in vitro. Allele origin: not applicable. Functional consequence: Normal rate of activation. Not counted in ClinVar's aggregate classification.

GeneReviews
No classification provided. Condition: Developmental and epileptic encephalopathy, 7. Review status: no classification provided. Collection method: literature only. Allele origin: germline. Affected: yes. Not counted in ClinVar's aggregate classification.
Comment: EE (epileptic encephalopathy)

Literature cited by the submitters: PubMed 24107868 (cited by 5 submitters); PubMed 25818041 (cited by 3 submitters); PubMed 26446091 (cited by 4 submitters); PubMed 24371303 (cited by 4 submitters); PubMed 28283543 (cited by Variantyx, Inc. and Labcorp Genetics (formerly Invitae), Labcorp); PubMed 28602030 (cited by Variantyx, Inc.); PubMed 25880994 (cited by Labcorp Genetics (formerly Invitae), Labcorp); PubMed 24318194 (cited by Victorian Clinical Genetics Services, Murdoch Childrens Research Institute); PubMed 35104249 (cited by Channelopathy-Associated Epilepsy Research Center); NCBI Bookshelf NBK32534 (cited by GeneReviews).